The following is an entry in ClinVar:

ClinVar aggregate classification (germline): Uncertain significance (1 of 4 stars; one submission).

Conditions:
Inborn genetic diseases. Identifiers: MedGen C0950123, MeSH D030342.

Submission:

Ambry Genetics
Classification: Uncertain significance for Inborn genetic diseases. Last evaluated: 2026-08-15. Review status: criteria provided, single submitter. Criteria: Ambry Variant Classification Scheme 2023. Collection method: clinical testing. Allele origin: germline.
Comment: The p.N147I variant (also known as c.440A>T), located in coding exon 4 of the ELANE gene, results from an A to T substitution at nucleotide position 440. The asparagine at codon 147 is replaced by isoleucine, an amino acid with dissimilar properties. This amino acid position is conserved. In addition, the in silico prediction for this alteration is inconclusive. Based on the available evidence, the clinical significance of this variant remains unclear.

NM_001972.4(ELANE):c.440A>T (p.Asn147Ile)

Gene: ELANE (elastase, neutrophil expressed; plus strand). Cytogenetic location: 19p13.3.
Variant type: single nucleotide variant.
Coding change: c.440A>T on transcript NM_001972.4 (MANE Select); coding-DNA position 440, A replaced by T.
Protein change: p.Asn147Ile; replaces asparagine 147 with isoleucine.
Molecular consequence: missense variant.
Genome position (GRCh38, 1-based): chr19:855,637, A>T. VCF-style: chr19-855637-A-T. GRCh37 (hg19) VCF-style: chr19-855637-A-T.
Other names: short protein forms N147I.
Identifiers: ClinVar variation 5035900 (VCV005035900.1).